The following is an entry in ClinVar:

ClinVar aggregate classification (germline): Uncertain significance (1 of 4 stars; one submission).

Conditions:
Phelan-McDermid syndrome. Also called: TELOMERIC 22q13 MONOSOMY SYNDROME; 22q13.3 deletion syndrome; Phelan-McDermid Syndrome-SHANK3 Related. Identifiers: Orphanet 48652, MedGen C1853490, MONDO:0011652, OMIM 606232.

Submission:

MGZ Medical Genetics Center
Classification: Uncertain significance for Phelan-McDermid syndrome. Last evaluated: 2022-01-24. Review status: criteria provided, single submitter. Criteria: ACMG Guidelines, 2015. Collection method: clinical testing. Allele origin: germline. Affected: yes. Observed: 1 variant allele.
Comment: ACMG criteria applied: PS2, PM2_SUP

NM_001372044.2(SHANK3):c.2300+4_2300+12del

Gene: SHANK3 (SH3 and multiple ankyrin repeat domains 3; plus strand). Cytogenetic location: 22q13.33.
Variant type: Deletion.
Coding change: c.2300+4_2300+12del on transcript NM_001372044.2 (MANE Select); bases 4 to 12 of the intron after coding-DNA position 2300, 9 bases deleted (AGTGGCGGG; older notation c.2300+4_2300+12delAGTGGCGGG).
Molecular consequence: intron variant.
Genome position (GRCh38, 1-based): chr22:50,706,156-50,706,164, AGTGGCGGG deleted; deleting any 9 consecutive bases within chr22:50,706,155-50,706,164 gives the same sequence; the c. name uses the placement nearest the transcript's 3' end. VCF-style (leftmost placement, unchanged base first): chr22-50706154-TGAGTGGCGG-T. GRCh37 (hg19) VCF-style: chr22-51144582-TGAGTGGCGG-T.
Other names: c.2335+3_2335+11del (NM_001372044.2).
Identifiers: ClinVar variation 1710029 (VCV001710029.2), dbSNP rs2518408611, ClinGen allele CA2580099990.